The following is an entry in ClinVar:

NM_003995.4(NPR2):c.3094C>T (p.Arg1032Ter)

Genes: NPR2 (natriuretic peptide receptor 2; plus strand), SPAG8 (sperm associated antigen 8; minus strand). Cytogenetic location: 9p13.3.
Variant type: single nucleotide variant.
Coding change: c.3094C>T on transcript NM_003995.4 (MANE Select); coding-DNA position 3094, C replaced by T.
Protein change: p.Arg1032Ter; replaces arginine 1032 with a stop codon.
Molecular consequence: nonsense. On other transcripts: intron variant (2).
Genome position (GRCh38, 1-based): chr9:35,809,395, C>T. VCF-style: chr9-35809395-C-T. GRCh37 (hg19) VCF-style: chr9-35809392-C-T.
Other names: c.3103C>T, p.Arg1035Ter (NM_001378923.1); c.1200+1044G>A (NM_001366760.2); c.1372+9G>A (NM_172312.2); short protein forms R1032*, R1035*.
Identifiers: ClinVar variation 3780983 (VCV003780983.2).
Genomic context (GRCh38, chr9:35,809,395, plus strand): 5'-ACTAACATCGAAGCATCTGAATCATGTCCACTCTCCCACTTCCAGGGAAAAGGAAAGATG[C>T]GAACATACTGGCTCTTAGGAGAGCGGAAAGGACCTCCTGGACTCCTGTAAACCCCCATTC-3'

ClinVar aggregate classification (germline): Conflicting classifications of pathogenicity. Review status: criteria provided, conflicting classifications (1 of 4 stars). 2 submissions from 2 submitters: Likely pathogenic (1); Uncertain significance (1). Last evaluated 2026-07-02.

Conditions:
Inborn genetic diseases. Identifiers: MedGen C0950123, MeSH D030342.

gnomAD v4.1: 4 of 1,614,132 alleles (0.00025%); highest among the groups gnomAD compares: Non-Finnish European, 0.00034%; no homozygotes.

Submissions (2):

Ambry Genetics
Classification: Uncertain significance for Inborn genetic diseases. Last evaluated: 2026-07-02. Review status: criteria provided, single submitter. Criteria: Ambry Variant Classification Scheme 2023. Collection method: clinical testing. Allele origin: germline.
Comment: The c.3094C>T (p.R1032*) alteration, located in exon 22 (coding exon 22) of the NPR2 gene, consists of a C to T substitution at nucleotide position 3094. This changes the amino acid from a arginine (R) to a stop codon at amino acid position 1032. This variant is not expected to trigger nonsense-mediated mRNA decay, and impacts the last 1.5% of the protein. The exact functional effect of this variant is unknown. This variant was not reported in population-based cohorts in the Genome Aggregation Database (gnomAD). This variant has been identified in the homozygous state in individuals with features consistent with autosomal recessive NPR2-related acromesomelic dysplasia, Maroteaux type, as well as in the heterozygous state in individuals with NPR2-related short stature disorder, and segregated with disease in at least one family (Irfanullah, 2018; Lu, 2021; external communication). Based on insufficient or conflicting evidence, the clinical significance of this alteration remains unclear.

GeneDx
Classification: Likely pathogenic. Last evaluated: 2024-10-16. Review status: criteria provided, single submitter. Criteria: GeneDx Variant Classification Process June 2021. Collection method: clinical testing. Allele origin: germline. Affected: yes.
Comment: Nonsense variant predicted to result in protein truncation as the last 16 amino acids are lost; Not observed at significant frequency in large population cohorts (gnomAD); This variant is associated with the following publications: (PMID: 30016695, 35682595)

Literature cited by the submitters: PubMed 30016695 (cited by Ambry Genetics); PubMed 33110269 (cited by Ambry Genetics).